The following is an entry in ClinVar:

NM_012309.5(SHANK2):c.1539C>T (p.Phe513=)

Gene: SHANK2 (SH3 and multiple ankyrin repeat domains 2; minus strand). Cytogenetic location: 11q13.4.
Variant type: single nucleotide variant.
Coding change: c.1539C>T on transcript NM_012309.5 (MANE Select); coding-DNA position 1539, C replaced by T.
Protein change: p.Phe513=; no amino-acid change (phenylalanine 513 retained).
Molecular consequence: synonymous variant.
Genome position (GRCh38, 1-based): chr11:70,807,126, G>A on the plus strand (C>T on the coding strand, the complement: SHANK2 is on the minus strand). VCF-style: chr11-70807126-G-A. GRCh37 (hg19) VCF-style: chr11-70653231-G-A.
Other names: c.402C>T, p.Phe134= (NM_001379226.1).
Identifiers: ClinVar variation 2642090 (VCV002642090.25), dbSNP rs868990395, ClinGen allele CA223855981.

ClinVar aggregate classification (germline): Likely benign. Review status: criteria provided, multiple submitters, no conflicts (2 of 4 stars). 2 submissions from 2 submitters: Likely benign (2). Last evaluated 2023-12-20.

Allele frequency attached by ClinVar (database versions not stated): gnomAD 0.00001; TOPMed 0.00001; gnomAD exomes 0.00003; 1000 Genomes Project 30x 0.00016.
gnomAD v4.1: 19 of 718,070 alleles (0.0026%); highest among the groups gnomAD compares: Middle Eastern, 0.023%; no homozygotes.

Submissions (2):

Blueprint Genetics
Classification: Likely benign. Last evaluated: 2023-12-20. Review status: criteria provided, single submitter. Criteria: ACMG Guidelines, 2015. Collection method: clinical testing. Allele origin: germline.

CeGaT Center for Human Genetics Tuebingen
Classification: Likely benign. Last evaluated: 2023-08-01. Review status: criteria provided, single submitter. Criteria: CeGaT Center For Human Genetics Tuebingen Variant Classification Criteria Version 2. Collection method: clinical testing. Allele origin: germline. Affected: yes. Observed: 3 variant alleles.
Comment: SHANK2: BP4, BP7